The following is an entry in ClinVar:

ClinVar aggregate classification (germline): Uncertain significance. Review status: criteria provided, multiple submitters, no conflicts (2 of 4 stars). 2 submissions from 2 submitters: Uncertain significance (2). Last evaluated 2025-08-11.

Conditions:
Marfan syndrome (MFS). Also called: FBN1-Related Marfan Syndrome; MARFAN SYNDROME, TYPE I; Marfan syndrome type 1; Marfan's syndrome; Marfan syndrome, classic. Identifiers: Orphanet 284963, Orphanet 558, MedGen C0024796, MONDO:0007947, OMIM 154700.
Familial thoracic aortic aneurysm and aortic dissection (TAAD). Also called: Thoracic aortic aneurysms and dissections. Identifiers: Orphanet 91387, MedGen C4707243, MONDO:0019625.

Submissions (2):

Labcorp Genetics (formerly Invitae), Labcorp
Classification: Uncertain significance for Marfan syndrome; Familial thoracic aortic aneurysm and aortic dissection. Last evaluated: 2025-08-11. Review status: criteria provided, single submitter. Criteria: Invitae Variant Classification Sherloc (09022015). Collection method: clinical testing. Allele origin: germline.
Comment: This sequence change replaces histidine, which is basic and polar, with arginine, which is basic and polar, at codon 1331 of the FBN1 protein (p.His1331Arg). This variant is not present in population databases (gnomAD no frequency). This missense change has been observed in individual(s) with clinical features of FBN1-related conditions (internal data). Invitae Evidence Modeling of protein sequence and biophysical properties (such as structural, functional, and spatial information, amino acid conservation, physicochemical variation, residue mobility, and thermodynamic stability) indicates that this missense variant is expected to disrupt FBN1 protein function with a positive predictive value of 95%. In summary, the available evidence is currently insufficient to determine the role of this variant in disease. Therefore, it has been classified as a Variant of Uncertain Significance.

Blueprint Genetics
Classification: Uncertain significance. Last evaluated: 2022-05-25. Review status: criteria provided, single submitter. Criteria: ACMG Guidelines, 2015. Collection method: clinical testing. Allele origin: germline.

NM_000138.5(FBN1):c.3992A>G (p.His1331Arg)

Gene: FBN1 (fibrillin 1; minus strand). Cytogenetic location: 15q21.1.
Variant type: single nucleotide variant.
Coding change: c.3992A>G on transcript NM_000138.5 (MANE Select); coding-DNA position 3992, A replaced by G.
Protein change: p.His1331Arg; replaces histidine 1331 with arginine.
Molecular consequence: missense variant.
Genome position (GRCh38, 1-based): chr15:48,474,623, T>C on the plus strand (A>G on the coding strand, the complement: FBN1 is on the minus strand). VCF-style: chr15-48474623-T-C. GRCh37 (hg19) VCF-style: chr15-48766820-T-C.
Other names: c.3992A>G, p.His1331Arg (NM_001406716.1); short protein forms H1331R.
Identifiers: ClinVar variation 4789652 (VCV004789652.2).
Genomic context (GRCh38, chr15:48,474,623, plus strand): 5'-CTGCAGCTACATTTGAAGCTTCCTGCTGTATTGGTACATACAGCATGTTTGCCACAGTTG[T>C]GTGCTCCAATTTCACATTCATTGATGTCTGGAAAAATGAGCAGTGATTTAGAAAAAGGCT-3'
Protein context (NP_000129.3, residues 1321-1341): TDINECEIGA[His1331Arg]NCGKHAVCTN